The following is an entry in ClinVar:

ClinVar aggregate classification (germline): Uncertain significance. Review status: criteria provided, multiple submitters, no conflicts (2 of 4 stars). 2 submissions from 2 submitters: Uncertain significance (2). Last evaluated 2023-04-04.

Conditions:
Hereditary cancer-predisposing syndrome. Also called: Neoplastic Syndromes, Hereditary; Hereditary Cancer Syndrome; Hereditary neoplastic syndrome; Tumor predisposition. Identifiers: Orphanet 140162, MedGen C0027672, MeSH D009386, MONDO:0015356.

Submissions (2):

Ambry Genetics
Classification: Uncertain significance for Hereditary cancer-predisposing syndrome. Last evaluated: 2023-04-04. Review status: criteria provided, single submitter. Criteria: Ambry Variant Classification Scheme 2023. Collection method: clinical testing. Allele origin: germline.
Comment: The p.M525L variant (also known as c.1573A>T), located in coding exon 10 of the RAD50 gene, results from an A to T substitution at nucleotide position 1573. The methionine at codon 525 is replaced by leucine, an amino acid with highly similar properties. This amino acid position is highly conserved in available vertebrate species. In addition, the in silico prediction for this alteration is inconclusive. Since supporting evidence is limited at this time, the clinical significance of this alteration remains unclear.

Labcorp Genetics (formerly Invitae), Labcorp
Classification: Uncertain significance for Hereditary cancer-predisposing syndrome. Last evaluated: 2023-01-13. Review status: criteria provided, single submitter. Criteria: Invitae Variant Classification Sherloc (09022015). Collection method: clinical testing. Allele origin: germline.
Comment: This sequence change replaces methionine, which is neutral and non-polar, with leucine, which is neutral and non-polar, at codon 525 of the RAD50 protein (p.Met525Leu). This variant is not present in population databases (gnomAD no frequency). This variant has not been reported in the literature in individuals affected with RAD50-related conditions. Advanced modeling of protein sequence and biophysical properties (such as structural, functional, and spatial information, amino acid conservation, physicochemical variation, residue mobility, and thermodynamic stability) performed at Invitae indicates that this missense variant is not expected to disrupt RAD50 protein function. In summary, the available evidence is currently insufficient to determine the role of this variant in disease. Therefore, it has been classified as a Variant of Uncertain Significance.

NM_005732.4(RAD50):c.1573A>T (p.Met525Leu)

Gene: RAD50 (RAD50 double strand break repair protein; plus strand). Cytogenetic location: 5q31.1.
Variant type: single nucleotide variant.
Coding change: c.1573A>T on transcript NM_005732.4 (MANE Select); coding-DNA position 1573, A replaced by T.
Protein change: p.Met525Leu; replaces methionine 525 with leucine.
Molecular consequence: missense variant.
Genome position (GRCh38, 1-based): chr5:132,591,344, A>T. VCF-style: chr5-132591344-A-T. GRCh37 (hg19) VCF-style: chr5-131927036-A-T.
Other names: c.1573A>T (NM_005732.3); short protein forms M525L.
Identifiers: ClinVar variation 2041706 (VCV002041706.6), dbSNP rs1418892808, ClinGen allele CA360945958.
Genomic context (GRCh38, chr5:132,591,344, plus strand): 5'-ATAAGTCTCCAAAATGAAAAAGCAGACTTAGACAGGACCCTGCGTAAACTTGACCAGGAG[A>T]TGGAGCAGTTAAACCATCATACAACAACACGTACCCAAATGGAGATGCTGACCAAAGACA-3'
Protein context (NP_005723.2, residues 515-535): DRTLRKLDQE[Met525Leu]EQLNHHTTTR